The following is an entry in ClinVar:

NM_006206.6(PDGFRA):c.765C>A (p.Gly255=)

Gene: PDGFRA (platelet derived growth factor receptor alpha; plus strand). Cytogenetic location: 4q12.
Variant type: single nucleotide variant.
Coding change: c.765C>A on transcript NM_006206.6 (MANE Select); coding-DNA position 765, C replaced by A.
Protein change: p.Gly255=; no amino-acid change (glycine 255 retained).
Molecular consequence: synonymous variant.
Genome position (GRCh38, 1-based): chr4:54,267,294, C>A. VCF-style: chr4-54267294-C-A. GRCh37 (hg19) VCF-style: chr4-55133461-C-A.
Other names: c.765C>A (NM_006206.4); c.765C>A, p.Gly255= (NM_001347827.2, NM_001347829.2); c.840C>A, p.Gly280= (NM_001347828.2); c.804C>A, p.Gly268= (NM_001347830.2).
Identifiers: ClinVar variation 1095052 (VCV001095052.12), dbSNP rs1177754005, ClinGen allele CA439285954.

ClinVar aggregate classification (germline): Benign/Likely benign. Review status: criteria provided, multiple submitters, no conflicts (2 of 4 stars). 3 submissions from 3 submitters: Benign (1); Likely benign (2). Last evaluated 2026-06-16.

Conditions:
Gastrointestinal stromal tumor. Also called: Gastrointestinal stroma tumor; Gastrointestinal stromal tumor, somatic. Identifiers: Orphanet 44890, MedGen C0238198, MeSH D046152, MONDO:0011719, OMIM 606764, HP:0100723.
Polyps, multiple and recurrent inflammatory fibroid, gastrointestinal. Identifiers: MedGen C5193005, MONDO:0008285, OMIM 175510.
Hereditary cancer-predisposing syndrome. Also called: Neoplastic Syndromes, Hereditary; Hereditary Cancer Syndrome; Hereditary neoplastic syndrome; Tumor predisposition. Identifiers: Orphanet 140162, MedGen C0027672, MeSH D009386, MONDO:0015356.

Allele frequency attached by ClinVar (database versions not stated): gnomAD exomes below 0.00001.
gnomAD v4.1: 1 of 1,614,116 alleles (0.000062%); highest among the groups gnomAD compares: South Asian, 0.0011%; no homozygotes.

Submissions (3):

Myriad Genetics, Inc.
Classification: Benign for Polyps, multiple and recurrent inflammatory fibroid, gastrointestinal. Last evaluated: 2026-06-16. Review status: criteria provided, single submitter. Criteria: Myriad Autosomal Dominant, Autosomal Recessive and X-Linked Classification Criteria (2023). Collection method: clinical testing. Allele origin: unknown.
Comment: This variant is considered benign. This variant is a silent/synonymous amino acid change and it is not expected to impact splicing.

Ambry Genetics
Classification: Likely benign for Hereditary cancer-predisposing syndrome. Last evaluated: 2023-05-19. Review status: criteria provided, single submitter. Criteria: Ambry Variant Classification Scheme 2023. Collection method: clinical testing. Allele origin: germline.

Labcorp Genetics (formerly Invitae), Labcorp
Classification: Likely benign for Gastrointestinal stromal tumor. Last evaluated: 2022-12-14. Review status: criteria provided, single submitter. Criteria: Invitae Variant Classification Sherloc (09022015). Collection method: clinical testing. Allele origin: germline.